The following is an entry in ClinVar:

NM_001374259.2(IL12RB2):c.1660C>G (p.Leu554Val)

Gene: IL12RB2 (interleukin 12 receptor subunit beta 2; plus strand). Cytogenetic location: 1p31.3.
Variant type: single nucleotide variant.
Coding change: c.1660C>G on transcript NM_001374259.2 (MANE Select); coding-DNA position 1660, C replaced by G.
Protein change: p.Leu554Val; replaces leucine 554 with valine.
Molecular consequence: missense variant. On other transcripts: non-coding transcript variant (1), intron variant (1).
Genome position (GRCh38, 1-based): chr1:67,372,726, C>G. VCF-style: chr1-67372726-C-G. GRCh37 (hg19) VCF-style: chr1-67838409-C-G.
Other names: c.1660C>G, p.Leu554Val (NM_001258214.1, NM_001258216.1, NM_001319233.1 and 1 more transcripts); c.1459+4701C>G (NM_001258215.1); short protein forms L554V.
Identifiers: ClinVar variation 4771706 (VCV004771706.1).

ClinVar aggregate classification (germline): Uncertain significance (1 of 4 stars; one submission).

gnomAD v4.1: 1 of 1,603,602 alleles (0.000062%); no homozygotes.

Submission:

Labcorp Genetics (formerly Invitae), Labcorp
Classification: Uncertain significance. Last evaluated: 2026-01-14. Review status: criteria provided, single submitter. Criteria: Invitae Variant Classification Sherloc (09022015). Collection method: clinical testing. Allele origin: germline.
Comment: This sequence change replaces leucine, which is neutral and non-polar, with valine, which is neutral and non-polar, at codon 554 of the IL12RB2 protein (p.Leu554Val). This variant is not present in population databases (gnomAD no frequency). This variant has not been reported in the literature in individuals affected with IL12RB2-related conditions. An algorithm developed to predict the effect of missense changes on protein structure and function (PolyPhen-2) suggests that this variant is likely to be tolerated. In summary, the available evidence is currently insufficient to determine the role of this variant in disease. Therefore, it has been classified as a Variant of Uncertain Significance.